The following is an entry in ClinVar:

NM_000260.4(MYO7A):c.5636+1G>A

Gene: MYO7A (myosin VIIA; plus strand). Cytogenetic location: 11q13.5.
Variant type: single nucleotide variant.
Coding change: c.5636+1G>A on transcript NM_000260.4 (MANE Select); the canonical splice donor site of the intron after coding-DNA position 5636, G replaced by A.
Molecular consequence: splice donor variant.
Genome position (GRCh38, 1-based): chr11:77,205,618, G>A. VCF-style: chr11-77205618-G-A. GRCh37 (hg19) VCF-style: chr11-76916663-G-A.
Other names: c.5489+1G>A (NM_001369365.1); c.5522+1G>A (NM_001127180.2).
Identifiers: ClinVar variation 2756453 (VCV002756453.3), dbSNP rs1428321405, ClinGen allele CA381953155.
Genomic context (GRCh38, chr11:77,205,618, plus strand): 5'-GTCCCGAAAGCACTGCCCACTCGCCATCGACTGCCTGCAACGGCTCCAGAAAGCCCTGAG[G>A]TACAGCGGCCACCAGGGGCAGGGACAGACACTGGGGCGGGCTCCTGGCCACGCGGGGCTT-3'

ClinVar aggregate classification (germline): Pathogenic (1 of 4 stars; one submission).

Allele frequency attached by ClinVar (database versions not stated): TOPMed 0.00001.

Submission:

Labcorp Genetics (formerly Invitae), Labcorp
Classification: Pathogenic. Last evaluated: 2023-08-30. Review status: criteria provided, single submitter. Criteria: Invitae Variant Classification Sherloc (09022015). Collection method: clinical testing. Allele origin: germline.
Comment: For these reasons, this variant has been classified as Pathogenic. Algorithms developed to predict the effect of sequence changes on RNA splicing suggest that this variant may disrupt the consensus splice site. Disruption of this splice site has been observed in individual(s) with autosomal recessive Usher syndrome (PMID: 26791358). In at least one individual the data is consistent with being in trans (on the opposite chromosome) from a pathogenic variant. This variant is not present in population databases (gnomAD no frequency). This sequence change affects a donor splice site in intron 40 of the MYO7A gene. It is expected to disrupt RNA splicing. Variants that disrupt the donor or acceptor splice site typically lead to a loss of protein function (PMID: 16199547), and loss-of-function variants in MYO7A are known to be pathogenic (PMID: 8900236, 25404053).

Literature cited by the submitters: PubMed 26791358; PubMed 16199547; PubMed 8900236; PubMed 25404053.